The following is an entry in ClinVar:

ClinVar aggregate classification (germline): Uncertain significance (1 of 4 stars; one submission).

Submission:

Labcorp Genetics (formerly Invitae), Labcorp
Classification: Uncertain significance. Last evaluated: 2023-10-20. Review status: criteria provided, single submitter. Criteria: Invitae Variant Classification Sherloc (09022015). Collection method: clinical testing. Allele origin: unknown.
Comment: A copy number gain of the genomic region encompassing the full coding sequence of the OAS1 gene has been identified. The boundaries of this event are unknown as they extend beyond the assayed region for this gene and therefore may encompass additional genes. As the precise location of this event is unknown, it may be in tandem or it may be located elsewhere in the genome. This variant has not been reported in the literature in individuals affected with OAS1-related conditions. In summary, the available evidence is currently insufficient to determine the role of this variant in disease. Therefore, it has been classified as a Variant of Uncertain Significance.

NC_000012.11:g.(?_113344845)_(113357358_?)dup

Gene: OAS1 (2'-5'-oligoadenylate synthetase 1; plus strand). Cytogenetic location: 12q24.13.
Variant type: Duplication.
Identifiers: ClinVar variation 3244426 (VCV003244426.1).